The following is an entry in ClinVar:

NM_015158.5(KANK1):c.3371G>A (p.Arg1124His)

Genes: KANK1 (KN motif and ankyrin repeat domains 1; plus strand), LOC126860554 (MED14-independent group 3 enhancer GRCh37_chr9:737889-739088; plus strand). Cytogenetic location: 9p24.3.
Variant type: single nucleotide variant.
Coding change: c.3371G>A on transcript NM_015158.5 (MANE Select); coding-DNA position 3371, G replaced by A.
Protein change: p.Arg1124His; replaces arginine 1124 with histidine.
Molecular consequence: missense variant. On other transcripts: non-coding transcript variant (1).
Genome position (GRCh38, 1-based): chr9:738,322, G>A. VCF-style: chr9-738322-G-A. GRCh37 (hg19) VCF-style: chr9-738322-G-A.
Other names: c.3371G>A, p.Arg1124His (NM_001256876.3, NM_001256877.3, NM_001354334.2); c.3131G>A, p.Arg1044His (NM_001354331.2); c.3317G>A, p.Arg1106His (NM_001354332.2); c.2897G>A, p.Arg966His (NM_001354333.2, NM_001354335.2, NM_001354337.2 and 2 more transcripts); c.2603G>A, p.Arg868His (NM_001354336.2); c.2843G>A, p.Arg948His (NM_001354338.2, NM_001354340.2, NM_001354344.2); c.2657G>A, p.Arg886His (NM_001354339.2, NM_001354342.2, NM_001354343.2); c.3371G>A (NM_015158.2); short protein forms R1044H, R1106H, R966H, R868H, R886H, R1124H, R948H.
Identifiers: ClinVar variation 1360042 (VCV001360042.32), dbSNP rs114055800, ClinGen allele CA4960929.

ClinVar aggregate classification (germline): Conflicting classifications of pathogenicity. Review status: criteria provided, conflicting classifications (1 of 4 stars). 4 submissions from 4 submitters: Uncertain significance (3); Likely benign (1). Last evaluated 2026-08-01.

Allele frequency attached by ClinVar (database versions not stated): gnomAD 0.00082 and 0.00088; ESP Exome Variant Server 0.00100; 1000 Genomes Project 0.00040; 1000 Genomes Project 30x 0.00047; ExAC 0.00059.
gnomAD v4.1: 1,384 of 1,613,984 alleles (0.086%); highest among the groups gnomAD compares: Non-Finnish European, 0.11%; no homozygotes.

Submissions (4):

CeGaT Center for Human Genetics Tuebingen
Classification: Likely benign. Last evaluated: 2026-08-01. Review status: criteria provided, single submitter. Criteria: CeGaT Center For Human Genetics Tuebingen Variant Classification Criteria Version 2. Collection method: clinical testing. Allele origin: germline. Affected: yes. Observed: 3 variant alleles.
Comment: KANK1: BP1

Labcorp Genetics (formerly Invitae), Labcorp
Classification: Uncertain significance. Last evaluated: 2026-01-26. Review status: criteria provided, single submitter. Criteria: Invitae Variant Classification Sherloc (09022015). Collection method: clinical testing. Allele origin: germline.
Comment: This sequence change replaces arginine, which is basic and polar, with histidine, which is basic and polar, at codon 1124 of the KANK1 protein (p.Arg1124His). This variant is present in population databases (rs114055800, gnomAD 0.1%), and has an allele count higher than expected for a pathogenic variant. This variant has not been reported in the literature in individuals affected with KANK1-related conditions. ClinVar contains an entry for this variant (Variation ID: 1360042). Invitae Evidence Modeling of protein sequence and biophysical properties (such as structural, functional, and spatial information, amino acid conservation, physicochemical variation, residue mobility, and thermodynamic stability) indicates that this missense variant is expected to disrupt KANK1 protein function with a positive predictive value of 80%. In summary, the available evidence is currently insufficient to determine the role of this variant in disease. Therefore, it has been classified as a Variant of Uncertain Significance.

Clinical Genomics Laboratory, Washington University in St. Louis
Classification: Uncertain significance. Last evaluated: 2023-12-19. Review status: criteria provided, single submitter. Criteria: ACMG Guidelines, 2015. Collection method: clinical testing. Allele origin: germline.
Comment: The KANK1 c.3371G>A (p.Arg1124His) variant, to our knowledge, has not been reported in the medical literature in relation with renal disease. The highest population minor allele frequency in the population database genome aggregation database (v.2.1.1) is 0.11% in the European (non-Finnish) population which is lower than the incidence of nephrotic syndrome. This variant has been reported in the ClinVar database as a variant of uncertain significance by two submitters and a likely benign variant by one submitter (ClinVar ID: 1360042). Computational predictors are uncertain as to the impact of this variant on KANK1 function. Due to limited information, and based on ACMG/AMP guidelines for variant interpretation (Richards S et al., PMID: 25741868), the clinical significance of this variant is uncertain at this time.

Ambry Genetics
Classification: Uncertain significance. Last evaluated: 2021-08-10. Review status: criteria provided, single submitter. Criteria: Ambry Variant Classification Scheme 2023. Collection method: clinical testing. Allele origin: germline.